The following is an entry in ClinVar:

NM_004560.4(ROR2):c.1802C>T (p.Ala601Val)

Gene: ROR2 (receptor tyrosine kinase like orphan receptor 2; minus strand). Cytogenetic location: 9q22.31.
Variant type: single nucleotide variant.
Coding change: c.1802C>T on transcript NM_004560.4 (MANE Select); coding-DNA position 1802, C replaced by T.
Protein change: p.Ala601Val; replaces alanine 601 with valine.
Molecular consequence: missense variant.
Genome position (GRCh38, 1-based): chr9:91,724,692, G>A on the plus strand (C>T on the coding strand, the complement: ROR2 is on the minus strand). VCF-style: chr9-91724692-G-A. GRCh37 (hg19) VCF-style: chr9-94486974-G-A.
Other names: short protein forms A601V.
Identifiers: ClinVar variation 3605658 (VCV003605658.2).
Genomic context (GRCh38, chr9:91,724,692, plus strand): 5'-ACATTGCGGGTGGCCAGGTCCTTGTGAACCACGTGGTGGCTGGATAGGTACTCCATCCCC[G>A]CCGCGATCTGTGCCACAAGGTGCACGAAGTCGGGGGGCTCCAGGGCGGACTTCACCGTGC-3'
Protein context (NP_004551.2, residues 591-611): DFVHLVAQIA[Ala601Val]GMEYLSSHHV

ClinVar aggregate classification (germline): Uncertain significance (1 of 4 stars; one submission).

gnomAD v4.1: 20 of 1,614,072 alleles (0.0012%); highest among the groups gnomAD compares: Admixed American, 0.015%; no homozygotes.

Submission:

Labcorp Genetics (formerly Invitae), Labcorp
Classification: Uncertain significance. Last evaluated: 2024-02-20. Review status: criteria provided, single submitter. Criteria: Invitae Variant Classification Sherloc (09022015). Collection method: clinical testing. Allele origin: germline.
Comment: This sequence change replaces alanine, which is neutral and non-polar, with valine, which is neutral and non-polar, at codon 601 of the ROR2 protein (p.Ala601Val). This variant is present in population databases (rs751398670, gnomAD 0.004%). This variant has not been reported in the literature in individuals affected with ROR2-related conditions. Advanced modeling of protein sequence and biophysical properties (such as structural, functional, and spatial information, amino acid conservation, physicochemical variation, residue mobility, and thermodynamic stability) performed at Invitae indicates that this missense variant is expected to disrupt ROR2 protein function with a positive predictive value of 80%. In summary, the available evidence is currently insufficient to determine the role of this variant in disease. Therefore, it has been classified as a Variant of Uncertain Significance.